The following is an entry in ClinVar:

ClinVar aggregate classification (germline): Uncertain significance (1 of 4 stars; one submission).

Submission:

Ambry Genetics
Classification: Uncertain significance. Last evaluated: 2021-10-14. Review status: criteria provided, single submitter. Criteria: Ambry Variant Classification Scheme 2023. Collection method: clinical testing. Allele origin: germline.
Comment: The c.2_13dup12 variant (also known as p.M1_R4dup), located in coding exon 1 of the GALNT12 gene, results from an in-frame duplication of 12 nucleotides at nucleotide positions 2 to 13. This results in the duplication of 4 extra residues (MWGR) between codons 1 and 4. This amino acid region is not well conserved in available vertebrate species. In addition, this alteration is predicted to be neutral by in silico analysis (Choi Y et al. PLoS ONE. 2012; 7(10):e46688). Since supporting evidence is limited at this time, the clinical significance of this alteration remains unclear.

NM_024642.5(GALNT12):c.2_13dup (p.Arg4_Thr5insMetTrpGlyArg)

Gene: GALNT12 (polypeptide N-acetylgalactosaminyltransferase 12; plus strand). Cytogenetic location: 9q22.33.
Variant type: Duplication.
Coding change: c.2_13dup on transcript NM_024642.5 (MANE Select); coding-DNA positions 2 to 13, 12 bases duplicated (TGTGGGGGCGCA).
Protein change: p.Arg4_Thr5insMetTrpGlyArg.
Molecular consequence: inframe insertion, initiator codon variant.
Genome position (GRCh38, 1-based): chr9:98,807,700-98,807,711, TGTGGGGGCGCA duplicated; duplicating any 12 consecutive bases within chr9:98,807,693-98,807,711 gives the same sequence; the c. name uses the placement nearest the transcript's 3' end. VCF-style (leftmost placement, unchanged base first): chr9-98807692-C-CGGGCGCATGTGG. GRCh37 (hg19) VCF-style: chr9-101569974-C-CGGGCGCATGTGG.
Identifiers: ClinVar variation 1784215 (VCV001784215.3), dbSNP rs1835403535, ClinGen allele CA2580080814.